The following is an entry in ClinVar:

ClinVar aggregate classification (germline): Uncertain significance (1 of 4 stars; one submission).

Conditions:
Cardiovascular phenotype. Identifiers: MedGen CN230736.

Submission:

Ambry Genetics
Classification: Uncertain significance for Cardiovascular phenotype. Last evaluated: 2026-05-17. Review status: criteria provided, single submitter. Criteria: Ambry Variant Classification Scheme 2023. Collection method: clinical testing. Allele origin: germline.
Comment: The p.V681A variant (also known as c.2042T>C), located in coding exon 21 of the MYBPC3 gene, results from a T to C substitution at nucleotide position 2042. The valine at codon 681 is replaced by alanine, an amino acid with similar properties. This amino acid position is conserved. In addition, this alteration is predicted to be deleterious by in silico analysis. Based on the available evidence, the clinical significance of this variant remains unclear.

NM_000256.3(MYBPC3):c.2042T>C (p.Val681Ala)

Gene: MYBPC3 (myosin binding protein C3; minus strand). Cytogenetic location: 11p11.2.
Variant type: single nucleotide variant.
Coding change: c.2042T>C on transcript NM_000256.3 (MANE Select); coding-DNA position 2042, T replaced by C.
Protein change: p.Val681Ala; replaces valine 681 with alanine.
Molecular consequence: missense variant.
Genome position (GRCh38, 1-based): chr11:47,339,676, A>G on the plus strand (T>C on the coding strand, the complement: MYBPC3 is on the minus strand). VCF-style: chr11-47339676-A-G. GRCh37 (hg19) VCF-style: chr11-47361227-A-G.
Other names: short protein forms V681A.
Identifiers: ClinVar variation 4860509 (VCV004860509.1).
Genomic context (GRCh38, chr11:47,339,676, plus strand): 5'-TATAGATGGGGAGACTGAGGAGGGACCCACAGTACCTGCGTGATAGCCTTCTGCCAGATC[A>G]CAGTGGGAGCAGGGTCCCCAGAGATAGGGACGTCCAGACGTAGCTTATTTCCAGCTACAA-3'
Protein context (NP_000247.2, residues 671-691): VPISGDPAPT[Val681Ala]IWQKAITQGN